The following is an entry in ClinVar:

NM_000222.3(KIT):c.343G>A (p.Ala115Thr)

Gene: KIT (KIT proto-oncogene, receptor tyrosine kinase; plus strand). Cytogenetic location: 4q12.
Variant type: single nucleotide variant.
Coding change: c.343G>A on transcript NM_000222.3 (MANE Select); coding-DNA position 343, G replaced by A.
Protein change: p.Ala115Thr; replaces alanine 115 with threonine.
Molecular consequence: missense variant.
Genome position (GRCh38, 1-based): chr4:54,698,289, G>A. VCF-style: chr4-54698289-G-A. GRCh37 (hg19) VCF-style: chr4-55564455-G-A.
Other names: c.343G>A, p.Ala115Thr (NM_001093772.2, NM_001385284.1, NM_001385285.1 and 4 more transcripts); short protein forms A115T.
Identifiers: ClinVar variation 567014 (VCV000567014.9), dbSNP rs1560395513, ClinGen allele CA356897382.

ClinVar aggregate classification (germline): Uncertain significance (1 of 4 stars; one submission).

Conditions:
Gastrointestinal stromal tumor. Also called: Gastrointestinal stromal tumor, somatic; Gastrointestinal stroma tumor. Identifiers: Orphanet 44890, MedGen C0238198, MeSH D046152, MONDO:0011719, OMIM 606764, HP:0100723.

Allele frequency attached by ClinVar (database versions not stated): gnomAD exomes below 0.00001.
gnomAD v4.1: 1 of 1,613,636 alleles (0.000062%); highest among the groups gnomAD compares: Non-Finnish European, 0.000085%; no homozygotes.

Submission:

Labcorp Genetics (formerly Invitae), Labcorp
Classification: Uncertain significance for Gastrointestinal stromal tumor. Last evaluated: 2024-10-08. Review status: criteria provided, single submitter. Criteria: Invitae Variant Classification Sherloc (09022015). Collection method: clinical testing. Allele origin: germline.
Comment: This sequence change replaces alanine, which is neutral and non-polar, with threonine, which is neutral and polar, at codon 115 of the KIT protein (p.Ala115Thr). This variant is not present in population databases (gnomAD no frequency). This variant has not been reported in the literature in individuals affected with KIT-related conditions. ClinVar contains an entry for this variant (Variation ID: 567014). An algorithm developed to predict the effect of missense changes on protein structure and function (PolyPhen-2) suggests that this variant is likely to be tolerated. In summary, the available evidence is currently insufficient to determine the role of this variant in disease. Therefore, it has been classified as a Variant of Uncertain Significance.